The following is an entry in ClinVar:

NM_153212.3(GJB4):c.121G>A (p.Glu41Lys)

Gene: GJB4 (gap junction protein beta 4; plus strand). Cytogenetic location: 1p34.3.
Variant type: single nucleotide variant.
Coding change: c.121G>A on transcript NM_153212.3 (MANE Select); coding-DNA position 121, G replaced by A.
Protein change: p.Glu41Lys; replaces glutamic acid 41 with lysine.
Molecular consequence: missense variant.
Genome position (GRCh38, 1-based): chr1:34,761,375, G>A. VCF-style: chr1-34761375-G-A. GRCh37 (hg19) VCF-style: chr1-35226976-G-A.
Other names: short protein forms E41K.
Identifiers: ClinVar variation 2507391 (VCV002507391.4), dbSNP rs1557652270, ClinGen allele CA339299804.

ClinVar aggregate classification (germline): Conflicting classifications of pathogenicity. Review status: criteria provided, conflicting classifications (1 of 4 stars). 3 submissions from 3 submitters: Likely pathogenic (1); Uncertain significance (2). Last evaluated 2026-05-28.

Conditions:
Ichthyosis and erythrokeratoderma.
Erythrokeratodermia variabilis et progressiva 2 (EKVP2). Identifiers: MedGen C4479618, MONDO:0033012, OMIM 617524.

Submissions (3):

Genetics Laboratory, Great Ormond Street Hospital NHS Foundation Trust, North Thames Genomic Laboratory Hub
Classification: Likely pathogenic for Ichthyosis and erythrokeratoderma. Last evaluated: 2026-05-28. Review status: criteria provided, single submitter. Criteria: ACGS Best Practice Guidelines for Variant Classification in Rare Disease 2024 v1.2. Collection method: clinical testing. Allele origin: germline. Affected: yes.
Comment: PS4_moderate, PM2_moderate, PP1_moderate, PP4_supporting

Labcorp Genetics (formerly Invitae), Labcorp
Classification: Uncertain significance. Last evaluated: 2025-08-29. Review status: criteria provided, single submitter. Criteria: Invitae Variant Classification Sherloc (09022015). Collection method: clinical testing. Allele origin: germline.
Comment: This sequence change replaces glutamic acid, which is acidic and polar, with lysine, which is basic and polar, at codon 41 of the GJB4 protein (p.Glu41Lys). This variant is present in population databases (no rsID available, gnomAD 0.0009%). This variant has not been reported in the literature in individuals affected with GJB4-related conditions. ClinVar contains an entry for this variant (Variation ID: 2507391). Invitae Evidence Modeling of protein sequence and biophysical properties (such as structural, functional, and spatial information, amino acid conservation, physicochemical variation, residue mobility, and thermodynamic stability) indicates that this missense variant is not expected to disrupt GJB4 protein function with a negative predictive value of 80%. In summary, the available evidence is currently insufficient to determine the role of this variant in disease. Therefore, it has been classified as a Variant of Uncertain Significance.

Institute of Human Genetics, University of Goettingen
Classification: Uncertain significance for Erythrokeratodermia variabilis et progressiva 2. Last evaluated: 2023-07-03. Review status: criteria provided, single submitter. Criteria: ACMG Guidelines, 2015. Collection method: clinical testing. Allele origin: unknown. Inheritance: Autosomal dominant inheritance. Observed: 1 heterozygote.
Comment: The variant c.121G>A (p.(Glu41Lys)) in exon 2 of the GJB4-gene is found at a very low frequency in the gnomAD database (< 0.001%), it affects a weakly conserved nucleotide and a highly conserved amino acid within a protein domain and there is a small physicochemical difference between Glu and Lys. This variant has a pathogenic computational verdict based on in silico prediction algorithms. ACMG criteria used for classification: PM2_mod, PP3.